The following is an entry in ClinVar:

ClinVar aggregate classification (germline): Uncertain significance. Review status: criteria provided, multiple submitters, no conflicts (2 of 4 stars). 3 submissions from 3 submitters: Uncertain significance (2). 1 of the submissions does not count toward it. Last evaluated 2022-04-07.

Conditions:
Townes-Brocks syndrome 1 (TBS1). Also called: REAR SYNDROME; RENAL-EAR-ANAL-RADIAL SYNDROME; DEAFNESS, SENSORINEURAL, WITH IMPERFORATE ANUS AND THUMB ANOMALIES; SALL1-Related Townes-Brocks Syndrome. Identifiers: Orphanet 857, MedGen C4551481, MONDO:0054581, OMIM 107480.

Submissions (3):

GeneDx
Classification: Uncertain significance. Last evaluated: 2022-04-07. Review status: criteria provided, single submitter. Criteria: GeneDx Variant Classification Process June 2021. Collection method: clinical testing. Allele origin: germline. Affected: yes.
Comment: In-frame insertion of 6 amino acids in a repetitive region with no known function; Not observed at significant frequency in large population cohorts (gnomAD); Has not been previously published as pathogenic or benign to our knowledge

Neuberg Centre For Genomic Medicine, NCGM
Classification: Uncertain significance for Townes-Brocks syndrome 1. Review status: criteria provided, single submitter. Criteria: ACMG Guidelines, 2015. Collection method: clinical testing. Allele origin: germline. Inheritance: Autosomal dominant inheritance. Affected: yes.
Comment: The inframe insertion variant c.460_477dupp.Ser154_Ser159dup in SALL1 gene has not been reported previously as a pathogenic variant nor as a benign variant, to our knowledge. The variant is novel not in any individuals in gnomAD Exomes and 1000 Genomes. This variant has been reported to the ClinVar database as Uncertain Significance. However, study on multiple affected individuals and functional impact of the variant is not available. This variant p.Ser154_Ser159dup causes duplication of amino acid Serine at postion 154 and Serine at postion 159. For these reasons, this variant has been classified as Uncertain Significance.

Department of Pathology and Laboratory Medicine, Sinai Health System
Classification: Uncertain significance. Review status: no assertion criteria provided. Collection method: clinical testing. Allele origin: unknown. Affected: yes. Study: The Canadian Open Genetics Repository (COGR). Not counted in ClinVar's aggregate classification.
Comment: The SALL1 p.Ser57_Ser62dup variant was not identified in the literature nor was it identified in dbSNP, ClinVar, Cosmic, LOVD 3.0 or in the following control databases: the 1000 Genomes Project, the NHLBI GO Exome Sequencing Project, the Exome Aggregation Consortium (August 8th 2016), or the Genome Aggregation Database (March 6, 2019, v2.1.1).This variant is an in-frame duplication resulting in the duplication of serine (Ser) residues between codons 57 to 62; the impact of this alteration on SALL1 protein function is not known. The variant also occurs outside of the splicing consensus sequence and three of four in silico or computational prediction software programs (SpliceSiteFinder, MaxEntScan, NNSPLICE, GeneSplicer) do not predict a difference in splicing. In summary, based on the above information the clinical significance of this variant cannot be determined with certainty at this time. This variant is classified as a variant of uncertain significance.

NM_002968.3(SALL1):c.448AGC[16] (p.Ser154_Ser159dup)

Gene: SALL1 (spalt like transcription factor 1; minus strand). Cytogenetic location: 16q12.1.
Variant type: Microsatellite.
Coding change: c.448AGC[16] on transcript NM_002968.3 (MANE Select); 16 copies in a row of the 3-base unit AGC starting at c.448; the reference has ten copies in a row; six copies, 18 bases duplicated; also written c.460_477dup.
Protein change: p.Ser154_Ser159dup.
Molecular consequence: inframe insertion.
Genome position (GRCh38, 1-based): chr16:51,141,745-51,141,762, GCTGCTGCTGCTGCTGCT duplicated on the plus strand (AGCAGCAGCAGCAGCAGC on the coding strand, the reverse complement: SALL1 is on the minus strand); duplicating any 18 consecutive bases within chr16:51,141,745-51,141,774 gives the same sequence; the position shown is the placement nearest the transcript's 3' end. VCF-style (leftmost placement, unchanged base first): chr16-51141744-C-CGCTGCTGCTGCTGCTGCT. GRCh37 (hg19) VCF-style: chr16-51175655-C-CGCTGCTGCTGCTGCTGCT.
Other names: c.157AGC[16], p.Ser57_Ser62dup (NM_001127892.2); c.460_477dup (NM_002968.3).
Identifiers: ClinVar variation 1048816 (VCV001048816.4), dbSNP rs113614842, ClinGen allele CA2222022949.
Genomic context (GRCh38, chr16:51,141,744, plus strand): 5'-CGAGTTGAGGTAGAGAGGTTGTGATCGCTGAGGTACCTGTGGAGGAGCTGCCGCCGCCGC[C>CGCTGCTGCTGCTGCTGCT]GCTGCTGCTGCTGCTGCTGCTGCTGCTGCTTGGGGCGGTACTGCTGTGGCTGCCGCTGGA-3'